The following is an entry in ClinVar:

NM_000384.3(APOB):c.3215A>G (p.Asp1072Gly)

Gene: APOB (apolipoprotein B; minus strand). Cytogenetic location: 2p24.1.
Variant type: single nucleotide variant.
Coding change: c.3215A>G on transcript NM_000384.3 (MANE Select); coding-DNA position 3215, A replaced by G.
Protein change: p.Asp1072Gly; replaces aspartic acid 1072 with glycine.
Molecular consequence: missense variant.
Genome position (GRCh38, 1-based): chr2:21,016,556, T>C on the plus strand (A>G on the coding strand, the complement: APOB is on the minus strand). VCF-style: chr2-21016556-T-C. GRCh37 (hg19) VCF-style: chr2-21239428-T-C.
Other names: c.3215A>G (NM_000384.2); short protein forms D1072G.
Identifiers: ClinVar variation 1403821 (VCV001403821.7), dbSNP rs1663468896, ClinGen allele CA346009573.

ClinVar aggregate classification (germline): Uncertain significance. Review status: criteria provided, multiple submitters, no conflicts (2 of 4 stars). 2 submissions from 2 submitters: Uncertain significance (2). Last evaluated 2023-05-08.

Conditions:
Familial hypobetalipoproteinemia 1. Also called: APOB-Related Familial Hypobetalipoproteinemia; Hypobetalipoproteinemia, normotriglyceridemic; Acanthocytosis with hypobetalipoproteinemia. Identifiers: MedGen C4551990, MONDO:0014252, OMIM 615558.
Hypercholesterolemia, autosomal dominant, type B (FHCL2). Also called: Familial Hypercholesterolemia Type B; APOLIPOPROTEIN B-100, FAMILIAL DEFECTIVE; APOLIPOPROTEIN B-100, FAMILIAL LIGAND-DEFECTIVE; HYPERCHOLESTEROLEMIA, FAMILIAL, DUE TO LIGAND-DEFECTIVE APOLIPOPROTEIN B; APOB-Related Familial Hypercholesterolemia, Autosomal Dominant; Familial hypercholesterolemia 2. Identifiers: MedGen C1704417, MONDO:0007751, OMIM 144010.
Cardiovascular phenotype. Identifiers: MedGen CN230736.

Submissions (2):

Ambry Genetics
Classification: Uncertain significance for Cardiovascular phenotype. Last evaluated: 2023-05-08. Review status: criteria provided, single submitter. Criteria: Ambry Variant Classification Scheme 2023. Collection method: clinical testing. Allele origin: germline.
Comment: The p.D1072G variant (also known as c.3215A>G), located in coding exon 21 of the APOB gene, results from an A to G substitution at nucleotide position 3215. The aspartic acid at codon 1072 is replaced by glycine, an amino acid with similar properties. This amino acid position is not well conserved in available vertebrate species. In addition, this alteration is predicted to be tolerated by in silico analysis. Since supporting evidence is limited at this time, the clinical significance of this alteration remains unclear.

Labcorp Genetics (formerly Invitae), Labcorp
Classification: Uncertain significance for Familial hypobetalipoproteinemia 1; Hypercholesterolemia, autosomal dominant, type B. Last evaluated: 2021-08-24. Review status: criteria provided, single submitter. Criteria: Invitae Variant Classification Sherloc (09022015). Collection method: clinical testing. Allele origin: germline.
Comment: Algorithms developed to predict the effect of missense changes on protein structure and function are either unavailable or do not agree on the potential impact of this missense change (SIFT: "Deleterious"; PolyPhen-2: "Possibly Damaging"; Align-GVGD: "Class C0"). In summary, the available evidence is currently insufficient to determine the role of this variant in disease. Therefore, it has been classified as a Variant of Uncertain Significance. This variant has not been reported in the literature in individuals affected with APOB-related conditions. This variant is not present in population databases (ExAC no frequency). This sequence change replaces aspartic acid with glycine at codon 1072 of the APOB protein (p.Asp1072Gly). The aspartic acid residue is moderately conserved and there is a moderate physicochemical difference between aspartic acid and glycine.